The following is an entry in ClinVar:

NM_000077.5(CDKN2A):c.458-4G>C

Gene: CDKN2A (cyclin dependent kinase inhibitor 2A; minus strand). Cytogenetic location: 9p21.3.
Variant type: single nucleotide variant.
Coding change: c.458-4G>C on transcript NM_000077.5 (MANE Select); 4 bases into the intron before coding-DNA position 458, G replaced by C.
Molecular consequence: intron variant.
Genome position (GRCh38, 1-based): chr9:21,968,246, C>G on the plus strand (G>C on the coding strand, the complement: CDKN2A is on the minus strand). VCF-style: chr9-21968246-C-G. GRCh37 (hg19) VCF-style: chr9-21968245-C-G.
Other names: c.305-4G>C (NM_001363763.2); c.*102-4G>C (NM_058195.4); c.*151-4G>C (NM_001195132.2); c.*381-4G>C (NM_058197.5).
Identifiers: ClinVar variation 233602 (VCV000233602.21), dbSNP rs876660514, ClinGen allele CA10578833.

ClinVar aggregate classification (germline): Conflicting classifications of pathogenicity. Review status: criteria provided, conflicting classifications (1 of 4 stars). 6 submissions from 6 submitters: Uncertain significance (1); Likely benign (5). Last evaluated 2026-03-14.

Conditions:
CDKN2A-related disorder. Also called: CDKN2A-related condition.
Familial melanoma. Also called: Hereditary melanoma; Hereditary cutaneous melanoma. Identifiers: Orphanet 618, MedGen C1512419, MONDO:0018961.
Hereditary cancer-predisposing syndrome. Also called: Neoplastic Syndromes, Hereditary; Hereditary neoplastic syndrome; Tumor predisposition; Hereditary Cancer Syndrome. Identifiers: Orphanet 140162, MedGen C0027672, MeSH D009386, MONDO:0015356.
Melanoma-pancreatic cancer syndrome. Identifiers: Orphanet 404560, MedGen C1838547, MONDO:0011713, OMIM 606719. Disease mechanism: loss of function.

Allele frequency attached by ClinVar (database versions not stated): gnomAD exomes 0.00003 and below 0.00001; TOPMed below 0.00001.
gnomAD v4.1: 46 of 1,613,870 alleles (0.0029%); highest among the groups gnomAD compares: Non-Finnish European, 0.0035%; no homozygotes.

Submissions (6):

PreventionGenetics, part of Exact Sciences
Classification: Likely benign for CDKN2A-related condition. Last evaluated: 2026-03-14. Review status: criteria provided, single submitter. Criteria: ACMG Guidelines, 2015. Collection method: clinical testing. Allele origin: germline.
Comment: This variant is classified as likely benign based on ACMG/AMP sequence variant interpretation guidelines (Richards et al. 2015 PMID: 25741868, with internal and published modifications).

Labcorp Genetics (formerly Invitae), Labcorp
Classification: Likely benign for Familial melanoma. Last evaluated: 2025-12-15. Review status: criteria provided, single submitter. Criteria: Invitae Variant Classification Sherloc (09022015). Collection method: clinical testing. Allele origin: germline.

Myriad Genetics, Inc.
Classification: Likely benign for Melanoma-pancreatic cancer syndrome. Last evaluated: 2025-08-19. Review status: criteria provided, single submitter. Criteria: Myriad Autosomal Dominant, Autosomal Recessive and X-Linked Classification Criteria (2023). Collection method: clinical testing. Allele origin: unknown.
Comment: This variant is considered likely benign. This variant is intronic and is not expected to impact mRNA splicing.

Color Diagnostics, LLC DBA Color Health
Classification: Uncertain significance for Hereditary cancer-predisposing syndrome. Last evaluated: 2024-10-29. Review status: criteria provided, single submitter. Criteria: ACMG Guidelines, 2015. Collection method: clinical testing. Allele origin: germline.
Comment: The CDKN2A locus encodes two different gene products, p16INK4a and p14ARF. This variant causes a G to C nucleotide substitution at the -4 position of intron 2/2 of the CDKN2A (p16INK4A) gene. To our knowledge, functional studies have not been reported for this variant. This variant has not been reported in individuals affected with CDKN2A-related disorders in the literature. This variant has been identified in 1/251158 chromosomes in the general population by the Genome Aggregation Database (gnomAD). The available evidence is insufficient to determine the role of this variant in disease conclusively. Therefore, this variant is classified as a Variant of Uncertain Significance.

Ambry Genetics
Classification: Likely benign for Hereditary cancer-predisposing syndrome. Last evaluated: 2024-09-16. Review status: criteria provided, single submitter. Criteria: Ambry Variant Classification Scheme 2023. Collection method: clinical testing. Allele origin: germline.

GeneDx
Classification: Likely benign. Last evaluated: 2017-11-07. Review status: criteria provided, single submitter. Criteria: GeneDx Variant Classification (06012015). Collection method: clinical testing. Allele origin: germline. Affected: yes.
Comment: This variant is considered likely benign or benign based on one or more of the following criteria: it is a conservative change, it occurs at a poorly conserved position in the protein, it is predicted to be benign by multiple in silico algorithms, and/or has population frequency not consistent with disease.